The following is an entry in ClinVar:

ClinVar aggregate classification (germline): Uncertain significance (1 of 4 stars; one submission).

Submission:

Labcorp Genetics (formerly Invitae), Labcorp
Classification: Uncertain significance. Last evaluated: 2022-06-23. Review status: criteria provided, single submitter. Criteria: Invitae Variant Classification Sherloc (09022015). Collection method: clinical testing. Allele origin: germline.
Comment: In summary, the available evidence is currently insufficient to determine the role of this variant in disease. Therefore, it has been classified as a Variant of Uncertain Significance. This variant has not been reported in the literature in individuals affected with SLC25A3-related conditions. A copy number gain of the genomic region encompassing the full coding sequence of the SLC25A3 gene has been identified. The boundaries of this event are unknown as they extend beyond the assayed region for this gene and therefore may encompass additional genes. As the precise location of this event is unknown, it may be in tandem or it may be located elsewhere in the genome.

NC_000012.11:g.(?_98987757)_(98995306_?)dup

Gene: SLC25A3 (solute carrier family 25 member 3; plus strand). Cytogenetic location: 12q23.1.
Variant type: Duplication.
Identifiers: ClinVar variation 2425433 (VCV002425433.4).